The following is an entry in ClinVar:

NM_001357.5(DHX9):c.3502G>A (p.Asp1168Asn)

Gene: DHX9 (DExH-box helicase 9; plus strand). Cytogenetic location: 1q25.3.
Variant type: single nucleotide variant.
Coding change: c.3502G>A on transcript NM_001357.5 (MANE Select); coding-DNA position 3502, G replaced by A.
Protein change: p.Asp1168Asn; replaces aspartic acid 1168 with asparagine.
Molecular consequence: missense variant. On other transcripts: non-coding transcript variant (1).
Genome position (GRCh38, 1-based): chr1:182,887,123, G>A. VCF-style: chr1-182887123-G-A. GRCh37 (hg19) VCF-style: chr1-182856258-G-A.
Other names: short protein forms D1168N.
Identifiers: ClinVar variation 4681739 (VCV004681739.5).
Genomic context (GRCh38, chr1:182,887,123, plus strand): 5'-TGGTTTTGTGCTTTTCCTAGGTATGGAGATGGTCCACGTCCTCCCAAGATGGCCCGATAC[G>A]ACAATGGAAGCGGATATAGAAGGGGAGGTTCTAGTTACAGTGGTGGAGGCTATGGCGGTG-3'
Protein context (NP_001348.2, residues 1158-1178): GPRPPKMARY[Asp1168Asn]NGSGYRRGGS

ClinVar aggregate classification (germline): Likely benign (1 of 4 stars; one submission).

gnomAD v4.1: 3 of 1,614,156 alleles (0.00019%); highest among the groups gnomAD compares: Non-Finnish European, 0.00017%; no homozygotes.

Submission:

CeGaT Center for Human Genetics Tuebingen
Classification: Likely benign. Last evaluated: 2025-12-01. Review status: criteria provided, single submitter. Criteria: CeGaT Center For Human Genetics Tuebingen Variant Classification Criteria Version 2. Collection method: clinical testing. Allele origin: germline. Affected: yes. Observed: 1 variant allele.
Comment: DHX9: PP2, BS2